The following is an entry in ClinVar:

ClinVar aggregate classification (germline): Uncertain significance. Review status: criteria provided, multiple submitters, no conflicts (2 of 4 stars). 3 submissions from 3 submitters: Uncertain significance (2). 1 of the submissions does not count toward it. Last evaluated 2021-06-10.

Conditions:
Familial hypocalciuric hypercalcemia (FHH). Also called: Familial benign hypercalcemia. Identifiers: Orphanet 405, MedGen C1809471, MONDO:0018458.
Autosomal dominant hypocalcemia 1 (HYPOC1). Also called: HYPOCALCEMIA, FAMILIAL. Identifiers: MedGen C3715128, MONDO:0011013, OMIM 601198.
Nephrolithiasis/nephrocalcinosis. Identifiers: MedGen CN580796.
Familial hypocalciuric hypercalcemia 1. Also called: Hypercalcemia, familial benign type 1. Identifiers: Orphanet 405, Orphanet 93372, MedGen C0342637, MONDO:0007791, OMIM 145980.

Submissions (3):

Ambry Genetics
Classification: Uncertain significance for Nephrolithiasis/nephrocalcinosis. Last evaluated: 2021-06-10. Review status: criteria provided, single submitter. Criteria: Ambry Variant Classification Scheme 2023. Collection method: clinical testing. Allele origin: germline.
Comment: The p.F204I variant (also known as c.610T>A), located in coding exon 3 of the CASR gene, results from a T to A substitution at nucleotide position 610. The phenylalanine at codon 204 is replaced by isoleucine, an amino acid with highly similar properties. This amino acid position is conserved. In addition, this alteration is predicted to be deleterious by in silico analysis. Since supporting evidence is limited at this time, the clinical significance of this alteration remains unclear.

Labcorp Genetics (formerly Invitae), Labcorp
Classification: Uncertain significance for Familial hypocalciuric hypercalcemia; Autosomal dominant hypocalcemia 1. Last evaluated: 2020-10-09. Review status: criteria provided, single submitter. Criteria: Invitae Variant Classification Sherloc (09022015). Collection method: clinical testing. Allele origin: germline.
Comment: Algorithms developed to predict the effect of missense changes on protein structure and function are either unavailable or do not agree on the potential impact of this missense change (SIFT: "Deleterious"; PolyPhen-2: "Probably Damaging"; Align-GVGD: "Class C15"). This variant has not been reported in the literature in individuals with CASR-related conditions. ClinVar contains an entry for this variant (Variation ID: 397588). This variant is not present in population databases (ExAC no frequency). This sequence change replaces phenylalanine with isoleucine at codon 204 of the CASR protein (p.Phe204Ile). The phenylalanine residue is highly conserved and there is a small physicochemical difference between phenylalanine and isoleucine. In summary, the available evidence is currently insufficient to determine the role of this variant in disease. Therefore, it has been classified as a Variant of Uncertain Significance.

Bioscientia Institut fuer Medizinische Diagnostik GmbH, Sonic Healthcare
Classification: Uncertain significance for Familial hypocalciuric hypercalcemia 1. Review status: no assertion criteria provided. Collection method: clinical testing. Allele origin: germline. Affected: yes. Not counted in ClinVar's aggregate classification.

NM_000388.4(CASR):c.610T>A (p.Phe204Ile)

Gene: CASR (calcium sensing receptor; plus strand). Cytogenetic location: 3q21.1.
Variant type: single nucleotide variant.
Coding change: c.610T>A on transcript NM_000388.4 (MANE Select); coding-DNA position 610, T replaced by A.
Protein change: p.Phe204Ile; replaces phenylalanine 204 with isoleucine.
Molecular consequence: missense variant.
Genome position (GRCh38, 1-based): chr3:122,261,645, T>A. VCF-style: chr3-122261645-T-A. GRCh37 (hg19) VCF-style: chr3-121980492-T-A.
Other names: c.610T>A, p.Phe204Ile (NM_001178065.2); short protein forms F204I.
Identifiers: ClinVar variation 397588 (VCV000397588.13), dbSNP rs1060499700, ClinGen allele CA16609439.